The following is an entry in ClinVar:

ClinVar aggregate classification (germline): Likely pathogenic (1 of 4 stars; one submission).

Conditions:
MYO6-related disorder. Also called: MYO6-related disorders; MYO6-related condition.

Submission:

PreventionGenetics, part of Exact Sciences
Classification: Likely pathogenic for MYO6-related condition. Last evaluated: 2025-05-29. Review status: criteria provided, single submitter. Criteria: ACMG Guidelines, 2015. Collection method: clinical testing. Allele origin: germline.
Comment: The MYO6 c.842dupA variant is predicted to result in premature protein termination (p.Tyr281*). To our knowledge, this variant has not been reported in the literature or in a large population database (gnomAD), indicating this variant is rare. Nonsense variants in MYO6 are expected to be pathogenic. This variant is interpreted as likely pathogenic.

NM_004999.4(MYO6):c.842dup (p.Tyr281Ter)

Gene: MYO6 (myosin VI; plus strand). Cytogenetic location: 6q14.1.
Variant type: Duplication.
Coding change: c.842dup on transcript NM_004999.4 (MANE Select); coding-DNA position 842, one base duplicated (A; older notation c.842dupA).
Protein change: p.Tyr281Ter; replaces tyrosine 281 with a stop codon.
Molecular consequence: nonsense. On other transcripts: non-coding transcript variant (1).
Genome position (GRCh38, 1-based): chr6:75,844,922, A duplicated. VCF-style (leftmost placement, unchanged base first): chr6-75844921-T-TA. GRCh37 (hg19) VCF-style: chr6-76554638-T-TA.
Other names: c.842dup, p.Tyr281Ter (NM_001300899.2, NM_001368136.1, NM_001368137.1 and 2 more transcripts); c.827dup, p.Tyr276Ter (NM_001368138.1); short protein forms Y276*, Y281*.
Identifiers: ClinVar variation 4998507 (VCV004998507.1).